The following is an entry in ClinVar:

NM_003803.4(MYOM1):c.1750G>T (p.Val584Phe)

Gene: MYOM1 (myomesin 1; minus strand). Cytogenetic location: 18p11.31.
Variant type: single nucleotide variant.
Coding change: c.1750G>T on transcript NM_003803.4 (MANE Select); coding-DNA position 1750, G replaced by T.
Protein change: p.Val584Phe; replaces valine 584 with phenylalanine.
Molecular consequence: missense variant.
Genome position (GRCh38, 1-based): chr18:3,151,787, C>A on the plus strand (G>T on the coding strand, the complement: MYOM1 is on the minus strand). VCF-style: chr18-3151787-C-A. GRCh37 (hg19) VCF-style: chr18-3151785-C-A.
Other names: c.1750G>T, p.Val584Phe (NM_019856.2); short protein forms V584F.
Identifiers: ClinVar variation 950681 (VCV000950681.1), dbSNP rs1463412933, ClinGen allele CA401714183.

ClinVar aggregate classification (germline): Uncertain significance (1 of 4 stars; one submission).

Conditions:
Hypertrophic cardiomyopathy. Also called: HYPERTROPHIC MYOCARDIOPATHY. Identifiers: Orphanet 217569, MedGen C0007194, MeSH D002312, MONDO:0005045, HP:0001639.

Allele frequency attached by ClinVar (database versions not stated): gnomAD exomes below 0.00001; TOPMed below 0.00001; gnomAD 0.00001.
gnomAD v4.1: 3 of 1,613,780 alleles (0.00019%); highest among the groups gnomAD compares: Non-Finnish European, 0.00025%; no homozygotes.

Submission:

Labcorp Genetics (formerly Invitae), Labcorp
Classification: Uncertain significance for Hypertrophic cardiomyopathy. Last evaluated: 2019-07-09. Review status: criteria provided, single submitter. Criteria: Invitae Variant Classification Sherloc (09022015). Collection method: clinical testing. Allele origin: germline.
Comment: This sequence change replaces valine with phenylalanine at codon 584 of the MYOM1 protein (p.Val584Phe). The valine residue is moderately conserved and there is a small physicochemical difference between valine and phenylalanine. This variant is not present in population databases (ExAC no frequency). This variant has not been reported in the literature in individuals with MYOM1-related conditions. Algorithms developed to predict the effect of missense changes on protein structure and function are either unavailable or do not agree on the potential impact of this missense change (SIFT: "Deleterious"; PolyPhen-2: "Probably Damaging"; Align-GVGD: "Class C0"). In summary, the available evidence is currently insufficient to determine the role of this variant in disease. Therefore, it has been classified as a Variant of Uncertain Significance.